The following is an entry in ClinVar:

ClinVar aggregate classification (germline): Benign/Likely benign. Review status: criteria provided, multiple submitters, no conflicts (2 of 4 stars). 7 submissions from 7 submitters: Benign (1); Likely benign (3). 3 of the submissions do not count toward it. Last evaluated 2026-01-25.

Conditions:
Cardiovascular phenotype. Identifiers: MedGen CN230736.
Long QT syndrome (LQTS). Identifiers: MedGen C0023976, MeSH D008133, MONDO:0002442. Disease mechanism: loss of function. Inheritance: Various modes of inheritance.
CACNA1C-related disorder. Also called: CACNA1C-related condition; CACNA1C-related disorders. Identifiers: MedGen CN381092, MONDO:0700321.

Allele frequency attached by ClinVar (database versions not stated): TOPMed 0.00004; gnomAD exomes 0.00006; gnomAD 0.00007.
gnomAD v4.1: 126 of 1,605,316 alleles (0.0078%); highest among the groups gnomAD compares: Non-Finnish European, 0.01%; no homozygotes.

Submissions (7):

Labcorp Genetics (formerly Invitae), Labcorp
Classification: Likely benign for Long QT syndrome. Last evaluated: 2026-01-25. Review status: criteria provided, single submitter. Criteria: Invitae Variant Classification Sherloc (09022015). Collection method: clinical testing. Allele origin: germline.

CeGaT Center for Human Genetics Tuebingen
Classification: Likely benign. Last evaluated: 2019-05-01. Review status: criteria provided, single submitter. Criteria: CeGaT Center For Human Genetics Tuebingen Variant Classification Criteria Version 2. Collection method: clinical testing. Allele origin: germline. Affected: yes. Observed: 1 variant allele.

Ambry Genetics
Classification: Likely benign for Cardiovascular phenotype. Last evaluated: 2019-02-01. Review status: criteria provided, single submitter. Criteria: Ambry Variant Classification Scheme 2023. Collection method: clinical testing. Allele origin: germline.

GeneDx
Classification: Benign. Last evaluated: 2015-03-03. Review status: criteria provided, single submitter. Criteria: GeneDx Variant Classification Process June 2021. Collection method: clinical testing. Allele origin: germline. Affected: yes.

PreventionGenetics, part of Exact Sciences
Classification: Likely benign for CACNA1C-related condition. Last evaluated: 2019-08-19. Review status: no assertion criteria provided. Collection method: clinical testing. Allele origin: germline. Not counted in ClinVar's aggregate classification.
Comment: This variant is classified as likely benign based on ACMG/AMP sequence variant interpretation guidelines (Richards et al. 2015 PMID: 25741868, with internal and published modifications).

Clinical Genetics, Academic Medical Center
Classification: Benign. Review status: no assertion criteria provided. Collection method: clinical testing. Allele origin: germline. Affected: yes. Study: VKGL Data-share Consensus. Not counted in ClinVar's aggregate classification.

Joint Genome Diagnostic Labs from Nijmegen and Maastricht, Radboudumc and MUMC+
Classification: Likely benign. Review status: no assertion criteria provided. Collection method: clinical testing. Allele origin: germline. Affected: yes. Study: VKGL Data-share Consensus. Not counted in ClinVar's aggregate classification.

NM_000719.7(CACNA1C):c.4068C>T (p.Ser1356=)

Gene: CACNA1C (calcium voltage-gated channel subunit alpha1 C; plus strand). Cytogenetic location: 12p13.33.
Variant type: single nucleotide variant.
Coding change: c.4068C>T on transcript NM_000719.7 (MANE Select); coding-DNA position 4068, C replaced by T.
Protein change: p.Ser1356=; no amino-acid change (serine 1356 retained).
Molecular consequence: synonymous variant.
Genome position (GRCh38, 1-based): chr12:2,651,762, C>T. VCF-style: chr12-2651762-C-T. GRCh37 (hg19) VCF-style: chr12-2760928-C-T.
Other names: c.4212C>T, p.Ser1404= (NM_001129827.2, NM_199460.4); c.4134C>T, p.Ser1378= (NM_001129829.2); c.4068C>T, p.Ser1356= (NM_001129830.3, NM_001129833.2, NM_001129834.2 and 7 more transcripts); c.4152C>T, p.Ser1384= (NM_001129831.2); c.4128C>T, p.Ser1376= (NM_001129832.2); c.4119C>T, p.Ser1373= (NM_001129836.2); c.4035C>T, p.Ser1345= (NM_001129837.2, NM_001129838.2, NM_001129846.2 and 1 more transcripts); c.4029C>T, p.Ser1343= (NM_001129839.2); and 1 more.
Identifiers: ClinVar variation 527030 (VCV000527030.60), dbSNP rs765091519, ClinGen allele CA6389440.